The following is an entry in ClinVar:

ClinVar aggregate classification (germline): Uncertain significance (1 of 4 stars; one submission).

gnomAD v4.1: 6 of 1,614,002 alleles (0.00037%); highest among the groups gnomAD compares: Non-Finnish European, 0.00051%; no homozygotes.

Submission:

Labcorp Genetics (formerly Invitae), Labcorp
Classification: Uncertain significance. Last evaluated: 2022-07-05. Review status: criteria provided, single submitter. Criteria: Invitae Variant Classification Sherloc (09022015). Collection method: clinical testing. Allele origin: germline.
Comment: This sequence change replaces alanine, which is neutral and non-polar, with glycine, which is neutral and non-polar, at codon 2620 of the SZT2 protein (p.Ala2620Gly). This variant is present in population databases (no rsID available, gnomAD 0.007%). This variant has not been reported in the literature in individuals affected with SZT2-related conditions. ClinVar contains an entry for this variant (Variation ID: 1005642). Algorithms developed to predict the effect of missense changes on protein structure and function are either unavailable or do not agree on the potential impact of this missense change (SIFT: "Tolerated"; PolyPhen-2: "Probably Damaging"; Align-GVGD: "Class C0"). In summary, the available evidence is currently insufficient to determine the role of this variant in disease. Therefore, it has been classified as a Variant of Uncertain Significance.

NM_001365999.1(SZT2):c.8030C>G (p.Ala2677Gly)

Gene: SZT2 (SZT2 subunit of KICSTOR complex; plus strand). Cytogenetic location: 1p34.2.
Variant type: single nucleotide variant.
Coding change: c.8030C>G on transcript NM_001365999.1 (MANE Select); coding-DNA position 8030, C replaced by G.
Protein change: p.Ala2677Gly; replaces alanine 2677 with glycine.
Molecular consequence: missense variant.
Genome position (GRCh38, 1-based): chr1:43,442,497, C>G. VCF-style: chr1-43442497-C-G. GRCh37 (hg19) VCF-style: chr1-43908168-C-G.
Other names: c.7859C>G, p.Ala2620Gly (NM_015284.4); short protein forms A2620G, A2677G.
Identifiers: ClinVar variation 1005642 (VCV001005642.4), dbSNP rs1419150670, ClinGen allele CA340037368.
Genomic context (GRCh38, chr1:43,442,497, plus strand): 5'-TCCAGCTACAGCTGCTGACCTACAACTGGGCTCCAGACCTGGGGGCAGCATTGGGCCGAG[C>G]GCTGGTTCGCCTGGTGCAGTGGCAGAATGCACGAGCCCATCTCATCTTCTGCCTACTCAG-3'
Protein context (NP_001352928.1, residues 2667-2687): APDLGAALGR[Ala2677Gly]LVRLVQWQNA